The following is an entry in ClinVar:

ClinVar aggregate classification (germline): Uncertain significance. Review status: criteria provided, multiple submitters, no conflicts (2 of 4 stars). 2 submissions from 2 submitters: Uncertain significance (2). Last evaluated 2025-06-14.

gnomAD v4.1: 61 of 1,222,096 alleles (0.005%); highest among the groups gnomAD compares: South Asian, 0.029%; no homozygotes.

Submissions (2):

Labcorp Genetics (formerly Invitae), Labcorp
Classification: Uncertain significance. Last evaluated: 2025-06-14. Review status: criteria provided, single submitter. Criteria: Invitae Variant Classification Sherloc (09022015). Collection method: clinical testing. Allele origin: germline.
Comment: This sequence change replaces proline, which is neutral and non-polar, with leucine, which is neutral and non-polar, at codon 61 of the SIRT1 protein (p.Pro61Leu). This variant is present in population databases (no rsID available, gnomAD 0.03%). This variant has not been reported in the literature in individuals affected with SIRT1-related conditions. ClinVar contains an entry for this variant (Variation ID: 3796170). An algorithm developed to predict the effect of missense changes on protein structure and function (PolyPhen-2) suggests that this variant is likely to be disruptive. In summary, the available evidence is currently insufficient to determine the role of this variant in disease. Therefore, it has been classified as a Variant of Uncertain Significance.

Ambry Genetics
Classification: Uncertain significance. Last evaluated: 2025-03-14. Review status: criteria provided, single submitter. Criteria: Ambry Variant Classification Scheme 2023. Collection method: clinical testing. Allele origin: germline.

NM_012238.5(SIRT1):c.182C>T (p.Pro61Leu)

Genes: SIRT1 (sirtuin 1; plus strand), LOC107832851 (SIRT1 promoter region; plus strand). Cytogenetic location: 10q21.3.
Variant type: single nucleotide variant.
Coding change: c.182C>T on transcript NM_012238.5 (MANE Select); coding-DNA position 182, C replaced by T.
Protein change: p.Pro61Leu; replaces proline 61 with leucine.
Molecular consequence: missense variant.
Genome position (GRCh38, 1-based): chr10:67,884,903, C>T. VCF-style: chr10-67884903-C-T. GRCh37 (hg19) VCF-style: chr10-69644661-C-T.
Other names: short protein forms P61L.
Identifiers: ClinVar variation 3796170 (VCV003796170.2).